The following is an entry in ClinVar:

NM_004380.3(CREBBP):c.113A>G (p.Asn38Ser)

Gene: CREBBP (CREB binding lysine acetyltransferase; minus strand). Cytogenetic location: 16p13.3.
Variant type: single nucleotide variant.
Coding change: c.113A>G on transcript NM_004380.3 (MANE Select); coding-DNA position 113, A replaced by G.
Protein change: p.Asn38Ser; replaces asparagine 38 with serine.
Molecular consequence: missense variant.
Genome position (GRCh38, 1-based): chr16:3,850,982, T>C on the plus strand (A>G on the coding strand, the complement: CREBBP is on the minus strand). VCF-style: chr16-3850982-T-C. GRCh37 (hg19) VCF-style: chr16-3900983-T-C.
Other names: c.113A>G, p.Asn38Ser (NM_001079846.1); short protein forms N38S.
Identifiers: ClinVar variation 4997323 (VCV004997323.1).

ClinVar aggregate classification (germline): Uncertain significance (1 of 4 stars; one submission).

Conditions:
CREBBP-related disorder. Also called: CREBBP-related condition; CREBBP-related disorders.

gnomAD v4.1: 2 of 1,613,994 alleles (0.00012%); highest among the groups gnomAD compares: Non-Finnish European, 0.00017%; no homozygotes.

Submission:

PreventionGenetics, part of Exact Sciences
Classification: Uncertain significance for CREBBP-related condition. Last evaluated: 2026-05-08. Review status: criteria provided, single submitter. Criteria: ACMG Guidelines, 2015. Collection method: clinical testing. Allele origin: germline.
Comment: The CREBBP c.113A>G variant is predicted to result in the amino acid substitution p.Asn38Ser. To our knowledge, this variant has not been reported in the literature. This variant is reported in 0.00088% of alleles in individuals of European (Non-Finnish) descent in gnomAD. At this time, the clinical significance of this variant is uncertain due to the absence of conclusive functional and genetic evidence.